The following is an entry in ClinVar:

ClinVar aggregate classification (germline): Uncertain significance (1 of 4 stars; one submission).

Conditions:
Tuberous sclerosis 2 (TSC2). Identifiers: Orphanet 805, MedGen C1860707, MONDO:0013199, OMIM 613254.

Submission:

Labcorp Genetics (formerly Invitae), Labcorp
Classification: Uncertain significance for Tuberous sclerosis 2. Last evaluated: 2024-12-10. Review status: criteria provided, single submitter. Criteria: Invitae Variant Classification Sherloc (09022015). Collection method: clinical testing. Allele origin: germline.
Comment: This sequence change replaces alanine, which is neutral and non-polar, with valine, which is neutral and non-polar, at codon 1622 of the TSC2 protein (p.Ala1622Val). This variant is not present in population databases (gnomAD no frequency). This variant has not been reported in the literature in individuals affected with TSC2-related conditions. Invitae Evidence Modeling of protein sequence and biophysical properties (such as structural, functional, and spatial information, amino acid conservation, physicochemical variation, residue mobility, and thermodynamic stability) indicates that this missense variant is not expected to disrupt TSC2 protein function with a negative predictive value of 95%. In summary, the available evidence is currently insufficient to determine the role of this variant in disease. Therefore, it has been classified as a Variant of Uncertain Significance.

NM_000548.5(TSC2):c.4865C>T (p.Ala1622Val)

Gene: TSC2 (TSC complex subunit 2; plus strand). Cytogenetic location: 16p13.3.
Variant type: single nucleotide variant.
Coding change: c.4865C>T on transcript NM_000548.5 (MANE Select); coding-DNA position 4865, C replaced by T.
Protein change: p.Ala1622Val; replaces alanine 1622 with valine.
Molecular consequence: missense variant. On other transcripts: non-coding transcript variant (4).
Genome position (GRCh38, 1-based): chr16:2,086,747, C>T. VCF-style: chr16-2086747-C-T. GRCh37 (hg19) VCF-style: chr16-2136748-C-T.
Other names: c.4556C>T, p.Ala1519Val (NM_001318827.2); c.4520C>T, p.Ala1507Val (NM_001318829.2); c.4133C>T, p.Ala1378Val (NM_001318831.2); c.4697C>T, p.Ala1566Val (NM_001318832.2); c.4667C>T, p.Ala1556Val (NM_001363528.2); c.4733C>T, p.Ala1578Val (NM_001370404.1); c.4736C>T, p.Ala1579Val (NM_001370405.1, NM_021055.3); c.4862C>T, p.Ala1621Val (NM_001406663.1); and 26 more; short protein forms A1398V, A1399V, A1599V, A1356V, A1378V, A1506V, A1552V, A1562V.
Identifiers: ClinVar variation 3637253 (VCV003637253.2).